The following is an entry in ClinVar:

NM_001378477.3(NYX):c.776del (p.Asn259fs)

Gene: NYX (nyctalopin; plus strand). Cytogenetic location: Xp11.4.
Variant type: Deletion.
Coding change: c.776del on transcript NM_001378477.3 (MANE Select); coding-DNA position 776, one base deleted (A; older notation c.776delA).
Protein change: p.Asn259fs; shifts the reading frame from asparagine 259.
Molecular consequence: frameshift variant.
Genome position (GRCh38, 1-based): chrX:41,474,244, A deleted; the last of 2 consecutive A bases (chrX:41,474,243-41,474,244); deleting either gives the same sequence. VCF-style (leftmost placement, unchanged base first): chrX-41474242-CA-C. GRCh37 (hg19) VCF-style: chrX-41333495-CA-C.
Other names: c.776del, p.Asn259fs (NM_022567.3); short protein forms N259fs.
Identifiers: ClinVar variation 1347562 (VCV001347562.8), dbSNP rs2147026045, ClinGen allele CA2573158855.

ClinVar aggregate classification (germline): Pathogenic (1 of 4 stars; one submission).

Submission:

Labcorp Genetics (formerly Invitae), Labcorp
Classification: Pathogenic. Last evaluated: 2022-02-16. Review status: criteria provided, single submitter. Criteria: Invitae Variant Classification Sherloc (09022015). Collection method: clinical testing. Allele origin: germline.
Comment: For these reasons, this variant has been classified as Pathogenic. This variant disrupts a region of the NYX protein in which other variant(s) (p.Cys362*) have been determined to be pathogenic (Invitae). This suggests that this is a clinically significant region of the protein, and that variants that disrupt it are likely to be disease-causing. Algorithms developed to predict the effect of sequence changes on RNA splicing suggest that this variant is not likely to affect RNA splicing. This premature translational stop signal has been observed in individual(s) with congenital stationary night blindness (Invitae). This variant is not present in population databases (gnomAD no frequency). This sequence change creates a premature translational stop signal (p.Asn264Thrfs*84) in the NYX gene. While this is not anticipated to result in nonsense mediated decay, it is expected to disrupt the last 218 amino acid(s) of the NYX protein.